The following is an entry in ClinVar:

NM_005529.7(HSPG2):c.3269G>A (p.Arg1090Gln)

Gene: HSPG2 (heparan sulfate proteoglycan 2; minus strand). Cytogenetic location: 1p36.12.
Variant type: single nucleotide variant.
Coding change: c.3269G>A on transcript NM_005529.7 (MANE Select); coding-DNA position 3269, G replaced by A.
Protein change: p.Arg1090Gln; replaces arginine 1090 with glutamine.
Molecular consequence: missense variant.
Genome position (GRCh38, 1-based): chr1:21,875,662, C>T on the plus strand (G>A on the coding strand, the complement: HSPG2 is on the minus strand). VCF-style: chr1-21875662-C-T. GRCh37 (hg19) VCF-style: chr1-22202155-C-T.
Other names: c.3272G>A, p.Arg1091Gln (NM_001291860.2); short protein forms R1090Q, R1091Q.
Identifiers: ClinVar variation 195883 (VCV000195883.66), dbSNP rs78889849, ClinGen allele CA201997.

ClinVar aggregate classification (germline): Benign/Likely benign. Review status: criteria provided, multiple submitters, no conflicts (2 of 4 stars). 8 submissions from 7 submitters: Benign (4); Likely benign (4). Last evaluated 2026-08-01.

Conditions:
Schwartz-Jampel syndrome. Also called: Myotonic myopathy dwarfism chondrodystrophy and ocular and facial abnormalities. Identifiers: Orphanet 800, MedGen C0036391, MONDO:0009717.
Lethal Kniest-like syndrome (DDSH). Also called: Dyssegmental Dysplasia. Identifiers: Orphanet 1865, MedGen C1857100, MONDO:0009140, OMIM 224410.

Allele frequency attached by ClinVar (database versions not stated): 1000 Genomes Project 30x 0.00187; 1000 Genomes Project 0.00200; TOPMed 0.00354; gnomAD 0.00366 and 0.00373; ESP Exome Variant Server 0.00523; ExAC 0.00530.
gnomAD v4.1: 9,270 of 1,602,974 alleles (0.58%); highest among the groups gnomAD compares: Non-Finnish European, 0.69%; 43 homozygotes.

Submissions (8):

CeGaT Center for Human Genetics Tuebingen
Classification: Likely benign. Last evaluated: 2026-08-01. Review status: criteria provided, single submitter. Criteria: CeGaT Center For Human Genetics Tuebingen Variant Classification Criteria Version 2. Collection method: clinical testing. Allele origin: germline. Affected: yes. Observed: 20 variant alleles.
Comment: HSPG2: BP4, BS2

Labcorp Genetics (formerly Invitae), Labcorp
Classification: Benign. Last evaluated: 2026-01-26. Review status: criteria provided, single submitter. Criteria: Invitae Variant Classification Sherloc (09022015). Collection method: clinical testing. Allele origin: germline.

ARUP Laboratories, Molecular Genetics and Genomics, ARUP Laboratories
Classification: Likely benign. Last evaluated: 2023-10-19. Review status: criteria provided, single submitter. Criteria: ARUP Molecular Germline Variant Investigation Process 2024. Collection method: clinical testing. Allele origin: germline.

GeneDx
Classification: Benign. Last evaluated: 2020-04-29. Review status: criteria provided, single submitter. Criteria: GeneDx Variant Classification Process June 2021. Collection method: clinical testing. Allele origin: germline. Affected: yes.

Illumina Laboratory Services, Illumina
Classification: Likely benign for Schwartz-Jampel syndrome type 1. Last evaluated: 2018-01-13. Review status: criteria provided, single submitter. Criteria: ICSL Variant Classification Criteria 13 December 2019. Collection method: clinical testing. Allele origin: germline.
Comment: This variant was observed in the ICSL laboratory as part of a predisposition screen in an ostensibly healthy population. It had not been previously curated by ICSL or reported in the Human Gene Mutation Database (HGMD: prior to June 1st, 2018), and was therefore a candidate for classification through an automated scoring system. Utilizing variant allele frequency, disease prevalence and penetrance estimates, and inheritance mode, an automated score was calculated to assess if this variant is too frequent to cause the disease. Based on the score and internal cut-off values, a variant classified as likely benign is not then subjected to further curation. The score for this variant resulted in a classification of likely benign for this disease.

Illumina Laboratory Services, Illumina
Classification: Likely benign for Lethal Kniest-like syndrome. Last evaluated: 2018-01-13. Review status: criteria provided, single submitter. Criteria: ICSL Variant Classification Criteria 13 December 2019. Collection method: clinical testing. Allele origin: germline.
Comment: the same text as in the submission from Illumina Laboratory Services, Illumina above.

Athena Diagnostics
Classification: Benign. Last evaluated: 2017-06-19. Review status: criteria provided, single submitter. Criteria: Athena Diagnostics Criteria. Collection method: clinical testing. Allele origin: germline.

Eurofins Ntd Llc (ga)
Classification: Benign. Last evaluated: 2015-03-09. Review status: criteria provided, single submitter. Criteria: EGL Classification Definitions 2015. Collection method: clinical testing. Allele origin: germline. Observed: 1 variant allele, 1 heterozygote.